The following is an entry in ClinVar:

ClinVar aggregate classification (germline): Uncertain significance (1 of 4 stars; one submission).

Conditions:
Sterile multifocal osteomyelitis with periostitis and pustulosis. Also called: CHRONIC RECURRENT MULTIFOCAL OSTEOMYELITIS 2, WITH PERIOSTITIS AND PUSTULOSIS. Identifiers: Orphanet 210115, MedGen C2748507, MONDO:0013021, OMIM 612852.

Submission:

Labcorp Genetics (formerly Invitae), Labcorp
Classification: Uncertain significance for Sterile multifocal osteomyelitis with periostitis and pustulosis. Last evaluated: 2022-09-07. Review status: criteria provided, single submitter. Criteria: Invitae Variant Classification Sherloc (09022015). Collection method: clinical testing. Allele origin: germline.
Comment: This sequence change replaces lysine, which is basic and polar, with asparagine, which is neutral and polar, at codon 73 of the IL1RN protein (p.Lys73Asn). In summary, the available evidence is currently insufficient to determine the role of this variant in disease. Therefore, it has been classified as a Variant of Uncertain Significance. Algorithms developed to predict the effect of sequence changes on RNA splicing suggest that this variant may disrupt the consensus splice site. Algorithms developed to predict the effect of missense changes on protein structure and function (SIFT, PolyPhen-2, Align-GVGD) all suggest that this variant is likely to be disruptive. ClinVar contains an entry for this variant (Variation ID: 1370710). This variant has not been reported in the literature in individuals affected with IL1RN-related conditions. This variant is not present in population databases (gnomAD no frequency).

NM_173842.3(IL1RN):c.210G>T (p.Lys70Asn)

Gene: IL1RN (interleukin 1 receptor antagonist; plus strand). Cytogenetic location: 2q14.1.
Variant type: single nucleotide variant.
Coding change: c.210G>T on transcript NM_173842.3 (MANE Select); coding-DNA position 210, G replaced by T.
Protein change: p.Lys70Asn; replaces lysine 70 with asparagine.
Molecular consequence: missense variant.
Genome position (GRCh38, 1-based): chr2:113,131,049, G>T. VCF-style: chr2-113131049-G-T. GRCh37 (hg19) VCF-style: chr2-113888626-G-T.
Other names: c.156G>T, p.Lys52Asn (NM_000577.5); c.108G>T, p.Lys36Asn (NM_001318914.2, NM_001379360.1, NM_173843.3); c.219G>T, p.Lys73Asn (NM_173841.3); short protein forms K36N, K70N, K52N, K73N.
Identifiers: ClinVar variation 1370710 (VCV001370710.8), dbSNP rs2104458628, ClinGen allele CA348295328.